The following is an entry in ClinVar:

NM_006514.4(SCN10A):c.2356_2364del (p.Ala786_Gly788del)

Gene: SCN10A (sodium voltage-gated channel alpha subunit 10; minus strand). Cytogenetic location: 3p22.2.
Variant type: Deletion.
Coding change: c.2356_2364del on transcript NM_006514.4 (MANE Select); coding-DNA positions 2356 to 2364, 9 bases deleted (GCACTGGGG; older notation c.2356_2364delGCACTGGGG).
Protein change: p.Ala786_Gly788del.
Molecular consequence: inframe deletion.
Genome position (GRCh38, 1-based): chr3:38,728,818-38,728,826, CCCCAGTGC deleted on the plus strand (GCACTGGGG on the coding strand, the reverse complement: SCN10A is on the minus strand); deleting any 9 consecutive bases within chr3:38,728,818-38,728,831 gives the same sequence; the c. name uses the placement nearest the transcript's 3' end. VCF-style (leftmost placement, unchanged base first): chr3-38728817-TCCCCAGTGC-T. GRCh37 (hg19) VCF-style: chr3-38770308-TCCCCAGTGC-T.
Other names: c.2356_2364del, p.Ala786_Gly788del (NM_001293306.2); c.2062_2070del, p.Ala688_Gly690del (NM_001293307.2).
Identifiers: ClinVar variation 4731629 (VCV004731629.1).

ClinVar aggregate classification (germline): Uncertain significance (1 of 4 stars; one submission).

Conditions:
Brugada syndrome. Also called: Sudden Unexplained Death Syndrome; Sudden Unexplained Nocturnal Death Syndrome (SUNDS); Sudden unexpected nocturnal death syndrome; Sudden unexplained nocturnal death syndrome. Identifiers: Orphanet 130, MedGen C1142166, MONDO:0015263.

Submission:

Labcorp Genetics (formerly Invitae), Labcorp
Classification: Uncertain significance for Brugada syndrome. Last evaluated: 2025-11-21. Review status: criteria provided, single submitter. Criteria: Invitae Variant Classification Sherloc (09022015). Collection method: clinical testing. Allele origin: germline.
Comment: This variant, c.2356_2364del, results in the deletion of 3 amino acid(s) of the SCN10A protein (p.Ala786_Gly788del), but otherwise preserves the integrity of the reading frame. This variant is not present in population databases (gnomAD no frequency). This variant has not been reported in the literature in individuals affected with SCN10A-related conditions. Experimental studies and prediction algorithms are not available or were not evaluated, and the functional significance of this variant is currently unknown. In summary, the available evidence is currently insufficient to determine the role of this variant in disease. Therefore, it has been classified as a Variant of Uncertain Significance.